The following is an entry in ClinVar:

ClinVar aggregate classification (germline): Uncertain significance. Review status: criteria provided, multiple submitters, no conflicts (2 of 4 stars). 2 submissions from 2 submitters: Uncertain significance (2). Last evaluated 2025-08-08.

Conditions:
OTOGL-related disorder. Also called: OTOGL-related condition.
Inborn genetic diseases. Identifiers: MedGen C0950123, MeSH D030342.

gnomAD v4.1: 3 of 1,594,950 alleles (0.00019%); highest among the groups gnomAD compares: Non-Finnish European, 0.00025%; no homozygotes.

Submissions (2):

Ambry Genetics
Classification: Uncertain significance for Inborn genetic diseases. Last evaluated: 2025-08-08. Review status: criteria provided, single submitter. Criteria: Ambry Variant Classification Scheme 2023. Collection method: clinical testing. Allele origin: germline.

PreventionGenetics, part of Exact Sciences
Classification: Uncertain significance for OTOGL-related condition. Last evaluated: 2025-03-27. Review status: criteria provided, single submitter. Criteria: ACMG Guidelines, 2015. Collection method: clinical testing. Allele origin: germline.
Comment: The OTOGL c.2864A>T variant is predicted to result in the amino acid substitution p.Tyr955Phe. To our knowledge, this variant has not been reported in the literature or in a large population database (gnomAD), indicating this variant is rare. At this time, the clinical significance of this variant is uncertain due to the absence of conclusive functional and genetic evidence.

NM_001378609.3(OTOGL):c.2891A>T (p.Tyr964Phe)

Gene: OTOGL (otogelin like; plus strand). Cytogenetic location: 12q21.31.
Variant type: single nucleotide variant.
Coding change: c.2891A>T on transcript NM_001378609.3 (MANE Select); coding-DNA position 2891, A replaced by T.
Protein change: p.Tyr964Phe; replaces tyrosine 964 with phenylalanine.
Molecular consequence: missense variant.
Genome position (GRCh38, 1-based): chr12:80,279,129, A>T. VCF-style: chr12-80279129-A-T. GRCh37 (hg19) VCF-style: chr12-80672909-A-T.
Other names: c.2891A>T, p.Tyr964Phe (NM_001368062.3, NM_001378610.3, NM_173591.7); short protein forms Y964F.
Identifiers: ClinVar variation 4129292 (VCV004129292.2).
Genomic context (GRCh38, chr12:80,279,129, plus strand): 5'-GCCCAGCAGTGTGCACAATATACGGGGACCGACATTATTATTCTTTTGATGGACTAGAAT[A>T]TGACTATATCAGTGATTGCCAGGTGTTTTTGATAAAGGTAGGTCACAGTTACACATTTTT-3'
Protein context (NP_001365538.2, residues 954-974): RHYYSFDGLE[Tyr964Phe]DYISDCQVFL